The following is an entry in ClinVar:

NM_000217.3(KCNA1):c.847G>A (p.Glu283Lys)

Gene: KCNA1 (potassium voltage-gated channel subfamily A member 1; plus strand). Cytogenetic location: 12p13.32.
Variant type: single nucleotide variant.
Coding change: c.847G>A on transcript NM_000217.3 (MANE Select); coding-DNA position 847, G replaced by A.
Protein change: p.Glu283Lys; replaces glutamic acid 283 with lysine.
Molecular consequence: missense variant.
Genome position (GRCh38, 1-based): chr12:4,912,225, G>A. VCF-style: chr12-4912225-G-A. GRCh37 (hg19) VCF-style: chr12-5021391-G-A.
Other names: short protein forms E283K.
Identifiers: ClinVar variation 1697293 (VCV001697293.11), dbSNP rs2137673633, ClinGen allele CA383455476.

ClinVar aggregate classification (germline): Pathogenic. Review status: criteria provided, multiple submitters, no conflicts (2 of 4 stars). 2 submissions from 2 submitters: Pathogenic (2). Last evaluated 2023-04-24.

Conditions:
Episodic ataxia type 1 (EA1). Also called: ATAXIA, EPISODIC, WITH MYOKYMIA; Episodic ataxia/myokymia syndrome; PAROXYSMAL ATAXIA WITH NEUROMYOTONIA, HEREDITARY; MYOKYMIA WITH PERIODIC ATAXIA. Identifiers: Orphanet 37612, Orphanet 972, MedGen C1719788, MONDO:0008047, OMIM 160120.

Submissions (2):

Labcorp Genetics (formerly Invitae), Labcorp
Classification: Pathogenic for Episodic ataxia type 1. Last evaluated: 2023-04-24. Review status: criteria provided, single submitter. Criteria: Invitae Variant Classification Sherloc (09022015). Collection method: clinical testing. Allele origin: germline.
Comment: This missense change has been observed in individual(s) with clinical features of epileptic encephalopathy and/or episodic ataxia (PMID: 28666963; Invitae). In at least one individual the variant was observed to be de novo. This variant is not present in population databases (gnomAD no frequency). This sequence change replaces glutamic acid, which is acidic and polar, with lysine, which is basic and polar, at codon 283 of the KCNA1 protein (p.Glu283Lys). For these reasons, this variant has been classified as Pathogenic. Experimental studies have shown that this missense change affects KCNA1 function (PMID: 28666963). Advanced modeling of protein sequence and biophysical properties (such as structural, functional, and spatial information, amino acid conservation, physicochemical variation, residue mobility, and thermodynamic stability) performed at Invitae indicates that this missense variant is not expected to disrupt KCNA1 protein function. ClinVar contains an entry for this variant (Variation ID: 1697293).

Institute of Human Genetics, University of Leipzig Medical Center
Classification: Pathogenic for Episodic ataxia type 1. Last evaluated: 2023-04-18. Review status: criteria provided, single submitter. Criteria: ACMG Guidelines, 2015. Collection method: clinical testing. Allele origin: unknown. Affected: yes.
Comment: Criteria applied: PS2,PS3_MOD,PS4_MOD,PM2_SUP,PP2

Literature cited by the submitters: PubMed 28666963 (cited by Labcorp Genetics (formerly Invitae), Labcorp).